The following is an entry in ClinVar:

NM_000384.3(APOB):c.22CTG[3] (p.Leu9dup)

Genes: APOB (apolipoprotein B; minus strand), LOC106560211 (APOB 5' regulatory region; plus strand). Cytogenetic location: 2p24.1.
Variant type: Microsatellite.
Coding change: c.22CTG[3] on transcript NM_000384.3 (MANE Select); three copies in a row of the 3-base unit CTG starting at c.22; the reference has two copies in a row; one copy, 3 bases duplicated.
Protein change: p.Leu9dup; duplicates leucine 9.
Molecular consequence: inframe insertion.
Genome position (GRCh38, 1-based): chr2:21,043,919-21,043,921, CAG duplicated on the plus strand (CTG on the coding strand, the reverse complement: APOB is on the minus strand); duplicating any 3 consecutive bases within chr2:21,043,919-21,043,925 gives the same sequence; the position shown is the placement nearest the transcript's 3' end. VCF-style (leftmost placement, unchanged base first): chr2-21043918-C-CCAG. GRCh37 (hg19) VCF-style: chr2-21266790-C-CCAG.
Identifiers: ClinVar variation 404405 (VCV000404405.10), dbSNP rs1060500237, ClinGen allele CA16610678.

ClinVar aggregate classification (germline): Uncertain significance. Review status: criteria provided, multiple submitters, no conflicts (2 of 4 stars). 2 submissions from 2 submitters: Uncertain significance (2). Last evaluated 2022-03-10.

Conditions:
Cardiovascular phenotype. Identifiers: MedGen CN230736.
Hypercholesterolemia, autosomal dominant, type B (FHCL2). Also called: APOB-Related Familial Hypercholesterolemia, Autosomal Dominant; Familial Hypercholesterolemia Type B; APOLIPOPROTEIN B-100, FAMILIAL DEFECTIVE; APOLIPOPROTEIN B-100, FAMILIAL LIGAND-DEFECTIVE; Hyperlipoproteinemia Type IIb; Familial hypercholesterolemia 2. Identifiers: MedGen C1704417, MONDO:0007751, OMIM 144010.
Familial hypobetalipoproteinemia 1. Also called: APOB-Related Familial Hypobetalipoproteinemia; Hypobetalipoproteinemia, normotriglyceridemic; Acanthocytosis with hypobetalipoproteinemia. Identifiers: MedGen C4551990, MONDO:0014252, OMIM 615558.

Submissions (2):

Labcorp Genetics (formerly Invitae), Labcorp
Classification: Uncertain significance for Familial hypobetalipoproteinemia 1; Hypercholesterolemia, autosomal dominant, type B. Last evaluated: 2022-03-10. Review status: criteria provided, single submitter. Criteria: Invitae Variant Classification Sherloc (09022015). Collection method: clinical testing. Allele origin: germline.
Comment: This variant, c.25_27dup, results in the insertion of 1 amino acid(s) of the APOB protein (p.Leu9dup), but otherwise preserves the integrity of the reading frame. The frequency data for this variant in the population databases is considered unreliable, as metrics indicate poor data quality at this position in the gnomAD database. This variant has not been reported in the literature in individuals affected with APOB-related conditions. ClinVar contains an entry for this variant (Variation ID: 404405). In summary, the available evidence is currently insufficient to determine the role of this variant in disease. Therefore, it has been classified as a Variant of Uncertain Significance.

Ambry Genetics
Classification: Uncertain significance for Cardiovascular phenotype. Last evaluated: 2021-12-03. Review status: criteria provided, single submitter. Criteria: Ambry Variant Classification Scheme 2023. Collection method: clinical testing. Allele origin: germline.
Comment: The c.25_27dupCTG variant (also known as p.L9dup), located in coding exon 1 of the APOB gene, results from an in-frame duplication of CTG at nucleotide positions 25 to 27. This results in the duplication of an extra leucine residue between codons 9 and 10. This amino acid position is conserved on limited sequence alignment. In addition, this alteration is predicted to be neutral by in silico analysis (Choi Y et al. PLoS ONE. 2012; 7(10):e46688). Since supporting evidence is limited at this time, the clinical significance of this alteration remains unclear.